The following is an entry in ClinVar:

ClinVar aggregate classification (germline): Uncertain significance. Review status: criteria provided, multiple submitters, no conflicts (2 of 4 stars). 3 submissions from 3 submitters: Uncertain significance (3). Last evaluated 2025-11-26.

Conditions:
Arrhythmogenic right ventricular dysplasia 11. Also called: Arrhythmogenic right ventricular dysplasia 11 with mild palmoplantar keratoderma and woolly hair; Arrhythmogenic Right Ventricular Dysplasia/Cardiomyopathy11; ARRHYTHMOGENIC RIGHT VENTRICULAR DYSPLASIA, FAMILIAL, 11. Identifiers: MedGen C1864850, MONDO:0012506, OMIM 610476.
Cardiovascular phenotype. Identifiers: MedGen CN230736.
Cardiomyopathy (CMYO). Also called: Cardiomyopathies. Identifiers: Orphanet 167848, MedGen C0878544, MONDO:0004994, HP:0001638. Inheritance: Various modes of inheritance.

Allele frequency attached by ClinVar (database versions not stated): gnomAD exomes below 0.00001 and 0.00001; gnomAD 0.00001; TOPMed below 0.00001.
gnomAD v4.1: 8 of 1,613,608 alleles (0.0005%); highest among the groups gnomAD compares: Non-Finnish European, 0.00068%; no homozygotes.

Submissions (3):

Color Diagnostics, LLC DBA Color Health
Classification: Uncertain significance for Cardiomyopathy. Last evaluated: 2025-11-26. Review status: criteria provided, single submitter. Criteria: ACMG Guidelines, 2015. Collection method: clinical testing. Allele origin: germline.
Comment: This missense variant replaces alanine with aspartic acid at codon 391 of the DSC2 protein. Computational prediction suggests that this variant may not impact protein structure and function. To our knowledge, functional studies have not been reported for this variant. This variant has not been reported in individuals affected with DSC2-related disorders in the literature. This variant has been identified in 8/1613608 chromosomes in the general population by the Genome Aggregation Database (gnomAD). The available evidence is insufficient to determine the role of this variant in disease conclusively. Therefore, this variant is classified as a Variant of Uncertain Significance.

Labcorp Genetics (formerly Invitae), Labcorp
Classification: Uncertain significance for Arrhythmogenic right ventricular dysplasia 11. Last evaluated: 2025-09-20. Review status: criteria provided, single submitter. Criteria: Invitae Variant Classification Sherloc (09022015). Collection method: clinical testing. Allele origin: germline.
Comment: This sequence change replaces alanine, which is neutral and non-polar, with aspartic acid, which is acidic and polar, at codon 391 of the DSC2 protein (p.Ala391Asp). This variant is present in population databases (no rsID available, gnomAD 0.002%). This variant has not been reported in the literature in individuals affected with DSC2-related conditions. ClinVar contains an entry for this variant (Variation ID: 666379). Invitae Evidence Modeling of protein sequence and biophysical properties (such as structural, functional, and spatial information, amino acid conservation, physicochemical variation, residue mobility, and thermodynamic stability) indicates that this missense variant is expected to disrupt DSC2 protein function with a positive predictive value of 80%. In summary, the available evidence is currently insufficient to determine the role of this variant in disease. Therefore, it has been classified as a Variant of Uncertain Significance.

Ambry Genetics
Classification: Uncertain significance for Cardiovascular phenotype. Last evaluated: 2025-07-21. Review status: criteria provided, single submitter. Criteria: Ambry Variant Classification Scheme 2023. Collection method: clinical testing. Allele origin: germline.
Comment: The p.A391D variant (also known as c.1172C>A), located in coding exon 9 of the DSC2 gene, results from a C to A substitution at nucleotide position 1172. The alanine at codon 391 is replaced by aspartic acid, an amino acid with dissimilar properties. This variant co-occurred with a second DSC2 variant in a primary electrical disease cohort; however, detail was limited (Proost D et al. J Mol Diagn, 2017 05;19:445-459). This amino acid position is highly conserved in available vertebrate species. In addition, this alteration is predicted to be deleterious by in silico analysis. Since supporting evidence is limited at this time, the clinical significance of this alteration remains unclear.

Literature cited by the submitters: PubMed 28341588 (cited by Ambry Genetics).

NM_024422.6(DSC2):c.1172C>A (p.Ala391Asp)

Gene: DSC2 (desmocollin 2; minus strand). Cytogenetic location: 18q12.1.
Variant type: single nucleotide variant.
Coding change: c.1172C>A on transcript NM_024422.6 (MANE Select); coding-DNA position 1172, C replaced by A.
Protein change: p.Ala391Asp; replaces alanine 391 with aspartic acid.
Molecular consequence: missense variant.
Genome position (GRCh38, 1-based): chr18:31,082,329, G>T on the plus strand (C>A on the coding strand, the complement: DSC2 is on the minus strand). VCF-style: chr18-31082329-G-T. GRCh37 (hg19) VCF-style: chr18-28662295-G-T.
Other names: c.1172C>A, p.Ala391Asp (NM_004949.5); short protein forms A391D.
Identifiers: ClinVar variation 666379 (VCV000666379.13), dbSNP rs1300215880, ClinGen allele CA402109709.